The following is an entry in ClinVar:

ClinVar aggregate classification (germline): Pathogenic (1 of 4 stars; one submission).

Conditions:
Beckwith-Wiedemann syndrome (BWS). Also called: EMG SYNDROME; Exomphalos macroglossia gigantism syndrome. Identifiers: Orphanet 116, MedGen C0004903, MONDO:0007534, OMIM 130650.

Submission:

Labcorp Genetics (formerly Invitae), Labcorp
Classification: Pathogenic for Beckwith-Wiedemann syndrome. Last evaluated: 2021-09-18. Review status: criteria provided, single submitter. Criteria: Invitae Variant Classification Sherloc (09022015). Collection method: clinical testing. Allele origin: germline.
Comment: For these reasons, this variant has been classified as Pathogenic. This variant has not been reported in the literature in individuals affected with CDKN1C-related conditions. This variant is not present in population databases (ExAC no frequency). This sequence change creates a premature translational stop signal (p.Thr80Profs*192) in the CDKN1C gene. It is expected to result in an absent or disrupted protein product. Loss-of-function variants in CDKN1C are known to be pathogenic (PMID: 20503313).

Literature cited by the submitters: PubMed 20503313.

NM_001122630.2(CDKN1C):c.205del (p.Thr69fs)

Gene: CDKN1C (cyclin dependent kinase inhibitor 1C; minus strand). Cytogenetic location: 11p15.4.
Variant type: Deletion.
Coding change: c.205del on transcript NM_001122630.2 (MANE Select); coding-DNA position 205, one base deleted (A; older notation c.205delA).
Protein change: p.Thr69fs; shifts the reading frame from threonine 69.
Molecular consequence: frameshift variant.
Genome position (GRCh38, 1-based): chr11:2,885,252, T deleted on the plus strand (A on the coding strand, the reverse complement: CDKN1C is on the minus strand). VCF-style (leftmost placement, unchanged base first): chr11-2885251-GT-G. GRCh37 (hg19) VCF-style: chr11-2906481-GT-G.
Other names: c.205del, p.Thr69fs (NM_001122631.2, NM_001362475.2); c.238del, p.Thr80fs (NM_001362474.2, NM_000076.2); short protein forms T69fs, T80fs.
Identifiers: ClinVar variation 1372071 (VCV001372071.6), dbSNP rs2133785682, ClinGen allele CA2573145960.
Genomic context (GRCh38, chr11:2,885,251, plus strand): 5'-CAGCGCCCCACCTGCACCGTCTCGCGGTAGAACGCGGGCACCGAGTCGCTGTCCACTTCG[GT>G]CCACTGCAGGCGTCCAGGGCCCCGCAGCGGCATGTCCTGCTGGAAGTCGTAATCCCAGCG-3'